The following is an entry in ClinVar:

ClinVar aggregate classification (germline): Uncertain significance (1 of 4 stars; one submission).

gnomAD v4.1: 1 of 1,613,672 alleles (0.000062%); highest among the groups gnomAD compares: Non-Finnish European, 0.000085%; no homozygotes.

Submission:

CeGaT Center for Human Genetics Tuebingen
Classification: Uncertain significance. Last evaluated: 2022-08-01. Review status: criteria provided, single submitter. Criteria: CeGaT Center For Human Genetics Tuebingen Variant Classification Criteria Version 2. Collection method: clinical testing. Allele origin: germline. Affected: yes. Observed: 1 variant allele.
Comment: PLCG2: PM2

NM_002661.5(PLCG2):c.3497C>T (p.Pro1166Leu)

Gene: PLCG2 (phospholipase C gamma 2; plus strand). Cytogenetic location: 16q23.3.
Variant type: single nucleotide variant.
Coding change: c.3497C>T on transcript NM_002661.5 (MANE Select); coding-DNA position 3497, C replaced by T.
Protein change: p.Pro1166Leu; replaces proline 1166 with leucine.
Molecular consequence: missense variant.
Genome position (GRCh38, 1-based): chr16:81,946,190, C>T. VCF-style: chr16-81946190-C-T. GRCh37 (hg19) VCF-style: chr16-81979795-C-T.
Other names: short protein forms P1166L.
Identifiers: ClinVar variation 1711415 (VCV001711415.30), dbSNP rs2507788539, ClinGen allele CA396909643.